The following is an entry in ClinVar:

ClinVar aggregate classification (germline): Benign. Review status: criteria provided, multiple submitters, no conflicts (2 of 4 stars). 6 submissions from 6 submitters: Benign (5). 1 of the submissions does not count toward it. Last evaluated 2026-02-04.

Conditions:
PLEKHG5-related disorder. Also called: PLEKHG5-related condition.
Charcot-Marie-Tooth disease recessive intermediate C. Also called: CHARCOT-MARIE-TOOTH NEUROPATHY, RECESSIVE INTERMEDIATE C. Identifiers: Orphanet 369867, MedGen C3809309, MONDO:0014154, OMIM 615376.
Neuronopathy, distal hereditary motor, autosomal recessive 4. Also called: Autosomal recessive lower motor neuron disease with childhood onset; NEUROPATHY, DISTAL HEREDITARY MOTOR, AUTOSOMAL RECESSIVE 4. Identifiers: Orphanet 206580, MedGen C1970211, MONDO:0012608, OMIM 611067.

Submissions (6):

Labcorp Genetics (formerly Invitae), Labcorp
Classification: Benign for Neuronopathy, distal hereditary motor, autosomal recessive 4; Charcot-Marie-Tooth disease recessive intermediate C. Last evaluated: 2026-02-04. Review status: criteria provided, single submitter. Criteria: Invitae Variant Classification Sherloc (09022015). Collection method: clinical testing. Allele origin: germline.

ARUP Laboratories, Molecular Genetics and Genomics, ARUP Laboratories
Classification: Benign. Last evaluated: 2023-11-29. Review status: criteria provided, single submitter. Criteria: ARUP Molecular Germline Variant Investigation Process 2024. Collection method: clinical testing. Allele origin: germline.

Mayo Clinic Laboratories, Mayo Clinic
Classification: Benign. Last evaluated: 2016-05-27. Review status: criteria provided, single submitter. Criteria: ACMG Guidelines, 2015. Collection method: clinical testing. Allele origin: germline. Observed: 41 variant alleles.

Eurofins Ntd Llc (ga)
Classification: Benign. Last evaluated: 2015-03-31. Review status: criteria provided, single submitter. Criteria: EGL Classification Definitions 2015. Collection method: clinical testing. Allele origin: germline. Observed: 6 variant alleles, 6 heterozygotes.

GeneDx
Classification: Benign. Last evaluated: 2015-03-03. Review status: criteria provided, single submitter. Criteria: GeneDx Variant Classification Process June 2021. Collection method: clinical testing. Allele origin: germline. Affected: yes.

PreventionGenetics, part of Exact Sciences
Classification: Benign for PLEKHG5-related condition. Last evaluated: 2019-09-04. Review status: no assertion criteria provided. Collection method: clinical testing. Allele origin: germline. Not counted in ClinVar's aggregate classification.
Comment: This variant is classified as benign based on ACMG/AMP sequence variant interpretation guidelines (Richards et al. 2015 PMID: 25741868, with internal and published modifications).

NM_020631.6(PLEKHG5):c.2145GGA[6] (p.Glu722_Glu723del)

Gene: PLEKHG5 (pleckstrin homology and RhoGEF domain containing G5; minus strand). Cytogenetic location: 1p36.31.
Variant type: Microsatellite.
Coding change: c.2145GGA[6] on transcript NM_020631.6 (MANE Select); six copies in a row of the 3-base unit GGA starting at c.2145; the reference has eight copies in a row; two copies, 6 bases deleted; also written c.2163_2168del.
Protein change: p.Glu722_Glu723del.
Molecular consequence: inframe deletion. On other transcripts: inframe indel (4).
Genome position (GRCh38, 1-based): chr1:6,469,123-6,469,128, TCCTCC deleted on the plus strand (GGAGGA on the coding strand, the reverse complement: PLEKHG5 is on the minus strand); deleting any 6 consecutive bases within chr1:6,469,123-6,469,148 gives the same sequence; the position shown is the placement nearest the transcript's 3' end. VCF-style (leftmost placement, unchanged base first): chr1-6469122-TTCCTCC-T. GRCh37 (hg19) VCF-style: chr1-6529182-TTCCTCC-T.
Other names: p.Glu722_Glu723del; c.2256GGA[6], p.Glu759_Glu760del (NM_001042663.3, NM_001265592.2); c.2143_2145GAG[6], p.Glu722_Glu723del (NM_001042664.2, NM_001042665.2, NM_001265594.3); c.2350_2352GAG[6], p.Glu791_Glu792del (NM_001265593.2); c.2145GGA[6], p.Glu722_Glu723del (NM_198681.4); c.2163_2168del6 (NM_020631.4); c.2163_2168del (NM_020631.4, NM_020631.5).
Identifiers: ClinVar variation 194977 (VCV000194977.30), dbSNP rs113541584, ClinGen allele CA201467.